The following is an entry in ClinVar:

ClinVar aggregate classification (germline): Uncertain significance (1 of 4 stars; one submission).

gnomAD v4.1: 3 of 1,613,942 alleles (0.00019%); highest among the groups gnomAD compares: Non-Finnish European, 0.00025%; no homozygotes.

Submission:

Labcorp Genetics (formerly Invitae), Labcorp
Classification: Uncertain significance. Last evaluated: 2025-11-25. Review status: criteria provided, single submitter. Criteria: Invitae Variant Classification Sherloc (09022015). Collection method: clinical testing. Allele origin: germline.
Comment: This sequence change replaces proline, which is neutral and non-polar, with threonine, which is neutral and polar, at codon 1408 of the MTOR protein (p.Pro1408Thr). This variant is not present in population databases (gnomAD no frequency). This variant has not been reported in the literature in individuals affected with MTOR-related conditions. Invitae Evidence Modeling of protein sequence and biophysical properties (such as structural, functional, and spatial information, amino acid conservation, physicochemical variation, residue mobility, and thermodynamic stability) indicates that this missense variant is not expected to disrupt MTOR protein function with a negative predictive value of 95%. In summary, the available evidence is currently insufficient to determine the role of this variant in disease. Therefore, it has been classified as a Variant of Uncertain Significance.

NM_004958.4(MTOR):c.4222C>A (p.Pro1408Thr)

Gene: MTOR (mechanistic target of rapamycin kinase; minus strand). Cytogenetic location: 1p36.22.
Variant type: single nucleotide variant.
Coding change: c.4222C>A on transcript NM_004958.4 (MANE Select); coding-DNA position 4222, C replaced by A.
Protein change: p.Pro1408Thr; replaces proline 1408 with threonine.
Molecular consequence: missense variant.
Genome position (GRCh38, 1-based): chr1:11,199,289, G>T on the plus strand (C>A on the coding strand, the complement: MTOR is on the minus strand). VCF-style: chr1-11199289-G-T. GRCh37 (hg19) VCF-style: chr1-11259346-G-T.
Other names: c.4222C>A, p.Pro1408Thr (NM_001386500.1); c.2974C>A, p.Pro992Thr (NM_001386501.1); short protein forms P1408T, P992T.
Identifiers: ClinVar variation 4770536 (VCV004770536.1).
Genomic context (GRCh38, chr1:11,199,289, plus strand): 5'-GCAGCAATTAAAAAGGGTTTATGGCCTACCTGATGAGAGATTCTAGAATGGCAGGGGTGG[G>T]GCCTTTCTGGAACTCCAGTTCTTTGTAGTGTAGTGCTTTGGCATATGCTCGGCACTTGGC-3'
Protein context (NP_004949.1, residues 1398-1418): HYKELEFQKG[Pro1408Thr]TPAILESLIS